The following is an entry in ClinVar:

NM_007294.4(BRCA1):c.*1272C>T

Gene: BRCA1 (BRCA1 DNA repair associated; minus strand). Cytogenetic location: 17q21.31.
Variant type: single nucleotide variant.
Coding change: c.*1272C>T on transcript NM_007294.4 (MANE Select); 1272 bases downstream of the stop codon, C replaced by T.
Molecular consequence: 3 prime UTR variant.
Genome position (GRCh38, 1-based): chr17:43,044,406, G>A on the plus strand (C>T on the coding strand, the complement: BRCA1 is on the minus strand). VCF-style: chr17-43044406-G-A. GRCh37 (hg19) VCF-style: chr17-41196423-G-A.
Other names: c.*1272C>T (NM_001407590.1, NM_001407591.1, NM_001407596.1 and 347 more transcripts); c.*1378C>T (NM_001407854.1, NM_001407858.1, NM_001407859.1 and 14 more transcripts).
Identifiers: ClinVar variation 4756364 (VCV004756364.1).
Genomic context (GRCh38, chr17:43,044,406, plus strand): 5'-CAAAACGTATTTTGTACAATCAAGTCTTCACTGCCCTTGCACACTGGGGGGGCTAGGGAA[G>A]ACCTAGTCCTTCCAACAGCTATAAACAGTCCTGGATAATGGGTTTATGAAAAACACTTTT-3'

ClinVar aggregate classification (germline): Uncertain significance (1 of 4 stars; one submission).

Conditions:
Hereditary cancer-predisposing syndrome. Also called: Tumor predisposition; Hereditary Cancer Syndrome; Neoplastic Syndromes, Hereditary; Hereditary neoplastic syndrome. Identifiers: Orphanet 140162, MedGen C0027672, MeSH D009386, MONDO:0015356.

Submission:

Color Diagnostics, LLC DBA Color Health
Classification: Uncertain significance for Hereditary cancer-predisposing syndrome. Last evaluated: 2025-12-16. Review status: criteria provided, single submitter. Criteria: ACMG Guidelines, 2015. Collection method: clinical testing. Allele origin: germline.
Comment: This variant causes a C to T nucleotide substitution in the 3' untranslated region (UTR) of the BRCA1 gene. To our knowledge, functional studies have not been reported for this variant. This variant has not been reported in individuals affected with BRCA1-related disorders in the literature. This variant has not been identified in the general population by the Genome Aggregation Database (gnomAD). The available evidence is insufficient to determine the role of this variant in disease conclusively. Therefore, this variant is classified as a Variant of Uncertain Significance.